The following is an entry in ClinVar:

ClinVar aggregate classification (germline): Likely benign. Review status: criteria provided, multiple submitters, no conflicts (2 of 4 stars). 2 submissions from 2 submitters: Likely benign (2). Last evaluated 2026-04-14.

Conditions:
Niemann-Pick disease, type C1. Also called: NEUROVISCERAL STORAGE DISEASE WITH VERTICAL SUPRANUCLEAR OPHTHALMOPLEGIA; NIEMANN-PICK DISEASE WITH CHOLESTEROL ESTERIFICATION BLOCK; NIEMANN-PICK DISEASE WITHOUT SPHINGOMYELINASE DEFICIENCY; NIEMANN-PICK DISEASE, CHRONIC NEURONOPATHIC FORM; NIEMANN-PICK DISEASE, VARIANT TYPE C1. Identifiers: Orphanet 646, MedGen C3179455, MONDO:0009757, OMIM 257220.
NPC1-related disorder. Also called: NPC1-related condition.

Submissions (2):

PreventionGenetics, part of Exact Sciences
Classification: Likely benign for NPC1-related condition. Last evaluated: 2026-04-14. Review status: criteria provided, single submitter. Criteria: ACMG Guidelines, 2015. Collection method: clinical testing. Allele origin: germline.
Comment: This variant is classified as likely benign based on ACMG/AMP sequence variant interpretation guidelines (Richards et al. 2015 PMID: 25741868, with internal and published modifications).

Labcorp Genetics (formerly Invitae), Labcorp
Classification: Likely benign for Niemann-Pick disease, type C1. Last evaluated: 2025-12-16. Review status: criteria provided, single submitter. Criteria: Invitae Variant Classification Sherloc (09022015). Collection method: clinical testing. Allele origin: germline.

NM_000271.5(NPC1):c.1947+11_1947+12insGGT

Gene: NPC1 (NPC intracellular cholesterol transporter 1; minus strand). Cytogenetic location: 18q11.2.
Variant type: Insertion.
Coding change: c.1947+11_1947+12insGGT on transcript NM_000271.5 (MANE Select); bases 11 to 12 of the intron after coding-DNA position 1947, GGT inserted.
Molecular consequence: intron variant.
Genome position: GRCh38 VCF-style: chr18-23544948-C-CCCA. GRCh37 (hg19) VCF-style: chr18-21124912-C-CCCA.
Other names: c.1947+11_1947+12insTGG (NM_000271.4).
Identifiers: ClinVar variation 1602552 (VCV001602552.9), dbSNP rs547107514, ClinGen allele CA8913312.